The following is an entry in ClinVar:

NM_022552.5(DNMT3A):c.2468G>T (p.Arg823Met)

Gene: DNMT3A (DNA methyltransferase 3 alpha; minus strand). Cytogenetic location: 2p23.3.
Variant type: single nucleotide variant.
Coding change: c.2468G>T on transcript NM_022552.5 (MANE Select); coding-DNA position 2468, G replaced by T.
Protein change: p.Arg823Met; replaces arginine 823 with methionine.
Molecular consequence: missense variant. On other transcripts: non-coding transcript variant (1).
Genome position (GRCh38, 1-based): chr2:25,236,946, C>A on the plus strand (G>T on the coding strand, the complement: DNMT3A is on the minus strand). VCF-style: chr2-25236946-C-A. GRCh37 (hg19) VCF-style: chr2-25459815-C-A.
Other names: c.2012G>T, p.Arg671Met (NM_001320893.1); c.1799G>T, p.Arg600Met (NM_001375819.1); c.1901G>T, p.Arg634Met (NM_153759.3); c.2468G>T, p.Arg823Met (NM_175629.2); short protein forms R600M, R634M, R671M, R823M.
Identifiers: ClinVar variation 4870051 (VCV004870051.1).
Genomic context (GRCh38, chr2:25,236,946, plus strand): 5'-CCCTTCCTTCTCCCTGCCCCCCAGCAGAGGTTCTAGACGCTGGAGCTGACCTTGGCTATC[C>A]TGCCATGCTCCAGACACTCCTGCAGCTCCAGCTTATCATTCACAGTGGATGCCAACGGCC-3'
Protein context (NP_072046.2, residues 813-833): LELQECLEHG[Arg823Met]IAKFSKVRTI

ClinVar aggregate classification (germline): Uncertain significance (1 of 4 stars; one submission).

Conditions:
Inborn genetic diseases. Identifiers: MedGen C0950123, MeSH D030342.

Submission:

Ambry Genetics
Classification: Uncertain significance for Inborn genetic diseases. Last evaluated: 2026-06-09. Review status: criteria provided, single submitter. Criteria: Ambry Variant Classification Scheme 2023. Collection method: clinical testing. Allele origin: germline.
Comment: The p.R823M variant (also known as c.2468G>T), located in coding exon 20 of the DNMT3A gene, results from a G to T substitution at nucleotide position 2468. The arginine at codon 823 is replaced by methionine, an amino acid with similar properties. This amino acid position is conserved. In addition, this alteration is predicted to be deleterious by in silico analysis. Based on the available evidence, the clinical significance of this variant remains unclear.